The following is an entry in ClinVar:

ClinVar aggregate classification (germline): Uncertain significance (1 of 4 stars; one submission).

Allele frequency attached by ClinVar (database versions not stated): ExAC 0.00002; gnomAD 0.00002; 1000 Genomes Project 30x 0.00016; 1000 Genomes Project 0.00020.
gnomAD v4.1: 5 of 1,614,014 alleles (0.00031%); highest among the groups gnomAD compares: African/African-American, 0.0053%; no homozygotes.

Submission:

Women's Health and Genetics/Laboratory Corporation of America, LabCorp
Classification: Uncertain significance. Last evaluated: 2022-07-06. Review status: criteria provided, single submitter. Criteria: LabCorp Variant Classification Summary - May 2015. Collection method: clinical testing. Allele origin: germline.
Comment: Variant summary: NPHP3 c.2394C>G (p.Phe798Leu) results in a non-conservative amino acid change in the encoded protein sequence. Four of five in-silico tools predict a benign effect of the variant on protein function. The variant allele was found at a frequency of 4e-06 in 251404 control chromosomes (gnomAD). The available data on variant occurrences in the general population are insufficient to allow any conclusion about variant significance. To our knowledge, no occurrence of c.2394C>G in individuals affected with Joubert Syndrome or related disorders and no experimental evidence demonstrating its impact on protein function have been reported. No clinical diagnostic laboratories have submitted clinical-significance assessments for this variant to ClinVar after 2014. Based on the evidence outlined above, the variant was classified as uncertain significance.

NM_153240.5(NPHP3):c.2394C>G (p.Phe798Leu)

Genes: NPHP3 (nephrocystin 3; minus strand), NPHP3-ACAD11 (NPHP3-ACAD11 readthrough (NMD candidate); minus strand). Cytogenetic location: 3q22.1.
Variant type: single nucleotide variant.
Coding change: c.2394C>G on transcript NM_153240.5 (MANE Select); coding-DNA position 2394, C replaced by G.
Protein change: p.Phe798Leu; replaces phenylalanine 798 with leucine.
Molecular consequence: missense variant. On other transcripts: non-coding transcript variant (1).
Genome position (GRCh38, 1-based): chr3:132,692,735, G>C on the plus strand (C>G on the coding strand, the complement: NPHP3 is on the minus strand). VCF-style: chr3-132692735-G-C. GRCh37 (hg19) VCF-style: chr3-132411579-G-C.
Other names: short protein forms F798L.
Identifiers: ClinVar variation 1704625 (VCV001704625.1), dbSNP rs534190640, ClinGen allele CA2622028.